The following is an entry in ClinVar:

NM_018129.4(PNPO):c.422G>A (p.Arg141His)

Gene: PNPO (pyridoxamine 5'-phosphate oxidase; plus strand). Cytogenetic location: 17q21.32.
Variant type: single nucleotide variant.
Coding change: c.422G>A on transcript NM_018129.4 (MANE Select); coding-DNA position 422, G replaced by A.
Protein change: p.Arg141His; replaces arginine 141 with histidine.
Molecular consequence: missense variant.
Genome position (GRCh38, 1-based): chr17:47,945,865, G>A. VCF-style: chr17-47945865-G-A. GRCh37 (hg19) VCF-style: chr17-46023231-G-A.
Other names: short protein forms R141H.
Identifiers: ClinVar variation 595589 (VCV000595589.9), dbSNP rs759335202, ClinGen allele CA8629192.

ClinVar aggregate classification (germline): Uncertain significance. Review status: criteria provided, multiple submitters, no conflicts (2 of 4 stars). 3 submissions from 3 submitters: Uncertain significance (3). Last evaluated 2025-02-28.

Conditions:
Pyridoxal phosphate-responsive seizures (PNPOD). Also called: Pyridoxal 5'-Phosphate (PLP)-Dependent Epilepsy; Pyridoxamine 5-Prime-Phosphate Oxidase Deficiency; Pyridoxine-5'-phosphate oxidase deficiency; EPILEPTIC ENCEPHALOPATHY, NEONATAL, PNPO-RELATED; SEIZURES, PYRIDOXINE-RESISTANT, PLP-SENSITIVE. Identifiers: Orphanet 79096, MedGen C1864723, MONDO:0012407, OMIM 610090. Disease mechanism: loss of function.

Allele frequency attached by ClinVar (database versions not stated): gnomAD 0.00001; gnomAD exomes 0.00001 and 0.00003; TOPMed 0.00001; ExAC 0.00003.

Submissions (3):

3billion
Classification: Uncertain significance for Pyridoxal phosphate-responsive seizures. Last evaluated: 2025-02-28. Review status: criteria provided, single submitter. Criteria: ACMG Guidelines, 2015. Collection method: clinical testing. Allele origin: germline. Affected: yes.
Comment: The variant is observed at an extremely low frequency in the gnomAD v4.1.0 dataset (total allele frequency: 0.001%). Predicted Consequence/Location: Missense variant In silico tool predictions suggest damaging effect of the variant on gene or gene product [REVEL: 0.83 (>=0.6, sensitivity 0.68 and specificity 0.92)]. A different missense change at the same codon (p.Arg141Cys) has been reported as pathogenic/likely pathogenic with strong evidence (ClinVar ID: VCV002138063 /PMID: 24658933). Therefore, this variant is classified as VUS according to the recommendation of ACMG/AMP guideline.

Labcorp Genetics (formerly Invitae), Labcorp
Classification: Uncertain significance for Pyridoxal phosphate-responsive seizures. Last evaluated: 2022-08-23. Review status: criteria provided, single submitter. Criteria: Invitae Variant Classification Sherloc (09022015). Collection method: clinical testing. Allele origin: germline.
Comment: This sequence change replaces arginine, which is basic and polar, with histidine, which is basic and polar, at codon 141 of the PNPO protein (p.Arg141His). This variant is present in population databases (rs759335202, gnomAD 0.01%). This missense change has been observed in individual(s) with clinical features of pyridoxal 5'-phosphate-dependent epilepsy (PMID: 28929476). ClinVar contains an entry for this variant (Variation ID: 595589). Algorithms developed to predict the effect of missense changes on protein structure and function are either unavailable or do not agree on the potential impact of this missense change (SIFT: "Deleterious"; PolyPhen-2: "Probably Damaging"; Align-GVGD: "Class C0"). In summary, the available evidence is currently insufficient to determine the role of this variant in disease. Therefore, it has been classified as a Variant of Uncertain Significance.

Eurofins Ntd Llc (ga)
Classification: Uncertain significance. Last evaluated: 2018-01-18. Review status: criteria provided, single submitter. Criteria: EGL Classification Definitions 2015. Collection method: clinical testing. Allele origin: germline. Observed: 1 variant allele, 1 heterozygote.

Literature cited by the submitters: PubMed 24658933 (cited by 3billion); PubMed 28929476 (cited by Labcorp Genetics (formerly Invitae), Labcorp).